The following is an entry in ClinVar:

ClinVar aggregate classification (germline): Uncertain significance (1 of 4 stars; one submission).

Conditions:
Cardiovascular phenotype. Identifiers: MedGen CN230736.

gnomAD v4.1: 2 of 1,613,944 alleles (0.00012%); highest among the groups gnomAD compares: Non-Finnish European, 0.00017%; no homozygotes.

Submission:

Ambry Genetics
Classification: Uncertain significance for Cardiovascular phenotype. Last evaluated: 2022-04-21. Review status: criteria provided, single submitter. Criteria: Ambry Variant Classification Scheme 2023. Collection method: clinical testing. Allele origin: germline.
Comment: The p.R185S variant (also known as c.555A>T), located in coding exon 4 of the SCN2B gene, results from an A to T substitution at nucleotide position 555. The arginine at codon 185 is replaced by serine, an amino acid with dissimilar properties. This amino acid position is conserved. In addition, this alteration is predicted to be deleterious by in silico analysis. Since supporting evidence is limited at this time, the clinical significance of this alteration remains unclear.

NM_004588.5(SCN2B):c.555A>T (p.Arg185Ser)

Gene: SCN2B (sodium voltage-gated channel beta subunit 2; minus strand). Cytogenetic location: 11q23.3.
Variant type: single nucleotide variant.
Coding change: c.555A>T on transcript NM_004588.5 (MANE Select); coding-DNA position 555, A replaced by T.
Protein change: p.Arg185Ser; replaces arginine 185 with serine.
Molecular consequence: missense variant.
Genome position (GRCh38, 1-based): chr11:118,166,980, T>A on the plus strand (A>T on the coding strand, the complement: SCN2B is on the minus strand). VCF-style: chr11-118166980-T-A. GRCh37 (hg19) VCF-style: chr11-118037695-T-A.
Other names: short protein forms R185S.
Identifiers: ClinVar variation 1748274 (VCV001748274.2), dbSNP rs1948388978, ClinGen allele CA382783621.
Genomic context (GRCh38, chr11:118,166,980, plus strand): 5'-GTCCGTCTTGCCCTCCTCCTCGGTCTTCAGGTCATCTGTGCTCAGCTTCTGCTCTTTTTT[T>A]CTCCTCACACACTTGACCACCATCAGCACCAAGATGACCACAGCCAGGAAGCCCCCGACG-3'
Protein context (NP_004579.1, residues 175-195): LVLMVVKCVR[Arg185Ser]KKEQKLSTDD